The following is an entry in ClinVar:

ClinVar aggregate classification (germline): Uncertain significance (1 of 4 stars; one submission).

Submission:

Ambry Genetics
Classification: Uncertain significance. Last evaluated: 2024-12-14. Review status: criteria provided, single submitter. Criteria: Ambry Variant Classification Scheme 2023. Collection method: clinical testing. Allele origin: germline.
Comment: The p.V435I variant (also known as c.1303G>A), located in coding exon 2 of the CDK12 gene, results from a G to A substitution at nucleotide position 1303. The valine at codon 435 is replaced by isoleucine, an amino acid with highly similar properties. This amino acid position is conserved. In addition, this alteration is predicted to be tolerated by in silico analysis. Based on the available evidence, the clinical significance of this variant remains unclear.

NM_016507.4(CDK12):c.1303G>A (p.Val435Ile)

Gene: CDK12 (cyclin dependent kinase 12; plus strand). Cytogenetic location: 17q12.
Variant type: single nucleotide variant.
Coding change: c.1303G>A on transcript NM_016507.4 (MANE Select); coding-DNA position 1303, G replaced by A.
Protein change: p.Val435Ile; replaces valine 435 with isoleucine.
Molecular consequence: missense variant.
Genome position (GRCh38, 1-based): chr17:39,471,135, G>A. VCF-style: chr17-39471135-G-A. GRCh37 (hg19) VCF-style: chr17-37627388-G-A.
Other names: c.1303G>A, p.Val435Ile (NM_015083.4); short protein forms V435I.
Identifiers: ClinVar variation 3830342 (VCV003830342.1).
Genomic context (GRCh38, chr17:39,471,135, plus strand): 5'-ATGGATGGAAAGGAGTCCAAGGGTTCACCTGTATTTTTGCCTAGAAAAGAGAACAGTTCA[G>A]TAGAGGCTAAGGATTCAGGTTTGGAGTCTAAAAAGTTACCCAGAAGTGTAAAATTGGAAA-3'
Protein context (NP_057591.2, residues 425-445): VFLPRKENSS[Val435Ile]EAKDSGLESK